The following is an entry in ClinVar:

ClinVar aggregate classification (germline): Pathogenic (1 of 4 stars; one submission).

Conditions:
Primary ciliary dyskinesia. Also called: Ciliary dyskinesia. Identifiers: Orphanet 244, MedGen C0008780, MONDO:0016575, HP:0012265.

Submission:

Labcorp Genetics (formerly Invitae), Labcorp
Classification: Pathogenic for Primary ciliary dyskinesia. Last evaluated: 2023-07-30. Review status: criteria provided, single submitter. Criteria: Invitae Variant Classification Sherloc (09022015). Collection method: clinical testing. Allele origin: germline.
Comment: Algorithms developed to predict the effect of sequence changes on RNA splicing suggest that this variant may disrupt the consensus splice site. This variant has not been reported in the literature in individuals affected with DNAAF1-related conditions. This variant is not present in population databases (gnomAD no frequency). This sequence change creates a premature translational stop signal (p.Glu148*) in the DNAAF1 gene. It is expected to result in an absent or disrupted protein product. Loss-of-function variants in DNAAF1 are known to be pathogenic (PMID: 19944400, 19944405). For these reasons, this variant has been classified as Pathogenic.

Literature cited by the submitters: PubMed 19944400; PubMed 19944405.

NM_178452.6(DNAAF1):c.442G>T (p.Glu148Ter)

Gene: DNAAF1 (dynein axonemal assembly factor 1; plus strand). Cytogenetic location: 16q24.1.
Variant type: single nucleotide variant.
Coding change: c.442G>T on transcript NM_178452.6 (MANE Select); coding-DNA position 442, G replaced by T.
Protein change: p.Glu148Ter; replaces glutamic acid 148 with a stop codon.
Molecular consequence: nonsense.
Genome position (GRCh38, 1-based): chr16:84,154,666, G>T. VCF-style: chr16-84154666-G-T. GRCh37 (hg19) VCF-style: chr16-84188271-G-T.
Other names: short protein forms E148*.
Identifiers: ClinVar variation 2777500 (VCV002777500.3), dbSNP rs2507367277, ClinGen allele CA396942948.
Genomic context (GRCh38, chr16:84,154,666, plus strand): 5'-TACACAGGGCTGCGCTGTCTCTGGCTGCAGAGCAATGGAATACAGAAAATCGAAAACCTG[G>T]AGGCCCAAACTGAGTTGCGTTGCCTCTTCTTGCAAATGAACTTGCTCCGTAAAATTGAGA-3'